The following is an entry in ClinVar:

ClinVar aggregate classification (germline): Uncertain significance. Review status: criteria provided, multiple submitters, no conflicts (2 of 4 stars). 2 submissions from 2 submitters: Uncertain significance (2). Last evaluated 2025-07-17.

Conditions:
Hereditary cancer-predisposing syndrome. Also called: Hereditary Cancer Syndrome; Hereditary neoplastic syndrome; Tumor predisposition; Neoplastic Syndromes, Hereditary. Identifiers: Orphanet 140162, MedGen C0027672, MeSH D009386, MONDO:0015356.
Multiple endocrine neoplasia, type 2 (MEN2). Identifiers: Orphanet 653, MedGen C4048306, MONDO:0019003. Disease mechanism: gain of function.

Submissions (2):

Color Diagnostics, LLC DBA Color Health
Classification: Uncertain significance for Multiple endocrine neoplasia, type 2. Last evaluated: 2025-07-17. Review status: criteria provided, single submitter. Criteria: ACMG Guidelines, 2015. Collection method: clinical testing. Allele origin: germline.
Comment: This missense variant replaces histidine with glutamine at codon 81 of the RET protein. Computational prediction suggests that this variant may not impact protein structure and function. To our knowledge, functional studies have not been reported for this variant. This variant has not been reported in individuals affected with RET-related disorders in the literature. This variant has not been identified in the general population by the Genome Aggregation Database (gnomAD). The available evidence is insufficient to determine the role of this variant in disease conclusively. Therefore, this variant is classified as a Variant of Uncertain Significance.

Ambry Genetics
Classification: Uncertain significance for Hereditary cancer-predisposing syndrome. Last evaluated: 2022-06-04. Review status: criteria provided, single submitter. Criteria: Ambry Variant Classification Scheme 2023. Collection method: clinical testing. Allele origin: germline.
Comment: The p.H81Q variant (also known as c.243T>A), located in coding exon 2 of the RET gene, results from a T to A substitution at nucleotide position 243. The histidine at codon 81 is replaced by glutamine, an amino acid with highly similar properties. This amino acid position is conserved. In addition, this alteration is predicted to be tolerated by in silico analysis. Since supporting evidence is limited at this time, the clinical significance of this alteration remains unclear.

NM_020975.6(RET):c.243T>A (p.His81Gln)

Gene: RET (ret proto-oncogene; plus strand). Cytogenetic location: 10q11.21.
Variant type: single nucleotide variant.
Coding change: c.243T>A on transcript NM_020975.6 (MANE Select); coding-DNA position 243, T replaced by A.
Protein change: p.His81Gln; replaces histidine 81 with glutamine.
Molecular consequence: missense variant.
Genome position (GRCh38, 1-based): chr10:43,100,628, T>A. VCF-style: chr10-43100628-T-A. GRCh37 (hg19) VCF-style: chr10-43596076-T-A.
Other names: c.243T>A, p.His81Gln (NM_000323.2, NM_001406743.1, NM_001406744.1 and 34 more transcripts); short protein forms H81Q.
Identifiers: ClinVar variation 1791315 (VCV001791315.3), dbSNP rs2492121656, ClinGen allele CA376770387.